The following is an entry in ClinVar:

NM_001099922.3(ALG13):c.1520G>A (p.Gly507Glu)

Gene: ALG13 (ALG13 UDP-N-acetylglucosaminyltransferase subunit; plus strand). Cytogenetic location: Xq23.
Variant type: single nucleotide variant.
Coding change: c.1520G>A on transcript NM_001099922.3 (MANE Select); coding-DNA position 1520, G replaced by A.
Protein change: p.Gly507Glu; replaces glycine 507 with glutamic acid.
Molecular consequence: missense variant.
Genome position (GRCh38, 1-based): chrX:111,723,817, G>A. VCF-style: chrX-111723817-G-A. GRCh37 (hg19) VCF-style: chrX-110967045-G-A.
Other names: c.1208G>A, p.Gly403Glu (NM_001257230.2, NM_001257234.2, NM_001257237.2); c.1286G>A, p.Gly429Glu (NM_001257231.2); c.1520G>A, p.Gly507Glu (NM_001324292.2); c.1034G>A, p.Gly345Glu (NM_001324293.1); short protein forms G345E, G403E, G429E, G507E.
Identifiers: ClinVar variation 4853595 (VCV004853595.1).

ClinVar aggregate classification (germline): Uncertain significance (1 of 4 stars; one submission).

Submission:

Women's Health and Genetics/Laboratory Corporation of America, LabCorp
Classification: Uncertain significance. Last evaluated: 2026-05-04. Review status: criteria provided, single submitter. Criteria: LabCorp Variant Classification Summary - May 2015. Collection method: clinical testing. Allele origin: germline.
Comment: Variant summary: ALG13 c.1520G>A (p.Gly507Glu) results in a non-conservative amino acid change in the encoded protein sequence. Algorithms developed to predict the effect of missense changes on protein structure and function all suggest that this variant is likely to be disruptive. The variant was absent in 121974 control chromosomes. The available data on variant occurrences in the general population are insufficient to allow any conclusion about variant significance. To our knowledge, no occurrence of c.1520G>A in individuals affected with ALG13-related conditions and no experimental evidence demonstrating its impact on protein function have been reported. No submitters have cited clinical-significance assessments for this variant to ClinVar. Based on the evidence outlined above, the variant was classified as uncertain significance.